The following is an entry in ClinVar:

NM_001114753.3(ENG):c.*523A>G

Gene: ENG (endoglin; minus strand). Cytogenetic location: 9q34.11.
Variant type: single nucleotide variant.
Coding change: c.*523A>G on transcript NM_001114753.3 (MANE Select); 523 bases downstream of the stop codon, A replaced by G.
Molecular consequence: 3 prime UTR variant.
Genome position (GRCh38, 1-based): chr9:127,815,159, T>C on the plus strand (A>G on the coding strand, the complement: ENG is on the minus strand). VCF-style: chr9-127815159-T-C. GRCh37 (hg19) VCF-style: chr9-130577438-T-C.
Other names: c.*758A>G (NM_000118.4); c.*523A>G (NM_001278138.2).
Identifiers: ClinVar variation 365076 (VCV000365076.7), dbSNP rs72616667, ClinGen allele CA10632628.
Genomic context (GRCh38, chr9:127,815,159, plus strand): 5'-TGCCCGACCGGCAGAGGGGGCTCCATGTGGCAGGAGCTAGGCTCCCAACGCCCACTGTTC[T>C]TGCCACCCTCTGGGCTCCCAGGCTGGGCTCCGCTAGGCTCCTGTCTCCCCTGCCAGTTAG-3'

ClinVar aggregate classification (germline): Likely benign (1 of 4 stars; one submission).

Conditions:
Telangiectasia, hereditary hemorrhagic, type 1 (HHT1). Also called: Osler Weber Rendu syndrome type 1; ENG-Related Hereditary Hemorrhagic Telangiectasia. Identifiers: Orphanet 774, MedGen C4551861, MONDO:0008535, OMIM 187300. Disease mechanism: loss of function.

Allele frequency attached by ClinVar (database versions not stated): gnomAD 0.00024 and 0.00043; TOPMed 0.00055; 1000 Genomes Project 0.00140; 1000 Genomes Project 30x 0.00141.

Submission:

Illumina Laboratory Services, Illumina
Classification: Likely benign for Telangiectasia, hereditary hemorrhagic, type 1. Last evaluated: 2018-01-12. Review status: criteria provided, single submitter. Criteria: ICSL Variant Classification Criteria 13 December 2019. Collection method: clinical testing. Allele origin: germline.
Comment: This variant was observed in the ICSL laboratory as part of a predisposition screen in an ostensibly healthy population. It had not been previously curated by ICSL or reported in the Human Gene Mutation Database (HGMD: prior to June 1st, 2018), and was therefore a candidate for classification through an automated scoring system. Utilizing variant allele frequency, disease prevalence and penetrance estimates, and inheritance mode, an automated score was calculated to assess if this variant is too frequent to cause the disease. Based on the score and internal cut-off values, a variant classified as likely benign is not then subjected to further curation. The score for this variant resulted in a classification of likely benign for this disease.